The following is an entry in ClinVar:

ClinVar aggregate classification (germline): Uncertain significance. Review status: criteria provided, multiple submitters, no conflicts (2 of 4 stars). 12 submissions from 12 submitters: Uncertain significance (10). 2 of the submissions do not count toward it. Last evaluated 2026-02-14.

Conditions:
POLG-related disorder. Also called: POLG-related condition; POLG-Related Disorders; POLG-Related Spectrum Disorders. Identifiers: MedGen C4763519.
Progressive sclerosing poliodystrophy (MTDPS4A). Also called: Mitochondrial DNA depletion syndrome 4A (Alpers type); Alpers Syndrome; NEURONAL DEGENERATION OF CHILDHOOD WITH LIVER DISEASE, PROGRESSIVE; ALPERS PROGRESSIVE INFANTILE POLIODYSTROPHY; ALPERS DIFFUSE DEGENERATION OF CEREBRAL GRAY MATTER WITH HEPATIC CIRRHOSIS; Alpers-Huttenlocher Syndrome. Identifiers: Orphanet 726, MedGen C0205710, MONDO:0008758, OMIM 203700.
Progressive external ophthalmoplegia with mitochondrial DNA deletions, autosomal dominant 1 (PEOA1). Also called: PROGRESSIVE EXTERNAL OPHTHALMOPLEGIA, AUTOSOMAL DOMINANT 1; Autosomal Dominant Progressive External Ophthalmoplegia (adPEO). Identifiers: MedGen C1834846, MONDO:0024528, OMIM 157640.
Progressive external ophthalmoplegia with mitochondrial DNA deletions, autosomal recessive 1 (PEOB1). Also called: Progressive external ophthalmoplegia, autosomal recessive 1; Autosomal Recessive Progressive External Ophthalmoplegia (arPEO). Identifiers: Orphanet 254886, MedGen C4225153, MONDO:0009783, OMIM 258450.
Mitochondrial DNA depletion syndrome 4b. Also called: Mitochondrial Neurogastrointestinal Encephalopathy Disease, POLG-Related; MNGIE, POLG-RELATED. Identifiers: Orphanet 298, MedGen C3150914, MONDO:0013350, OMIM 613662.
Mitochondrial DNA depletion syndrome 1. Also called: Mitochondrial DNA depletion syndrome 1 (MNGIE type); POLIP SYNDROME; POLYNEUROPATHY, OPHTHALMOPLEGIA, LEUKOENCEPHALOPATHY, AND INTESTINAL PSEUDOOBSTRUCTION; Mitochondrial neurogastrointestinal encephalomyopathy syndrome; Mitochondrial Neurogastrointestinal Encephalopathy Disease; MITOCHONDRIAL NEUROGASTROINTESTINAL ENCEPHALOPATHY SYNDROME, TYMP-RELATED. Identifiers: Orphanet 298, MedGen C4551995, MONDO:0011283, OMIM 603041.
Sensory ataxic neuropathy, dysarthria, and ophthalmoparesis (SANDO). Also called: Epilepsy, progressive myoclonic, type 5; SENSORY ATAXIC NEUROPATHY WITH MITOCHONDRIAL DNA DELETIONS, AUTOSOMAL RECESSIVE; Ataxia Neuropathy Spectrum (ANS); Sensory ataxic neuropathy-dysarthria-ophthalmoparesis syndrome. Identifiers: Orphanet 70595, MedGen C1843851, MONDO:0011835, OMIM 607459.

Allele frequency attached by ClinVar (database versions not stated): gnomAD 0.00009; ExAC 0.00013; ESP Exome Variant Server 0.00008; TOPMed 0.00008.
gnomAD v4.1: 157 of 1,614,034 alleles (0.0097%); highest among the groups gnomAD compares: South Asian, 0.022%; no homozygotes.

Submissions (12):

PreventionGenetics, part of Exact Sciences
Classification: Uncertain significance for POLG-related condition. Last evaluated: 2026-02-14. Review status: criteria provided, single submitter. Criteria: ACMG Guidelines, 2015. Collection method: clinical testing. Allele origin: germline.
Comment: The POLG c.3176A>G variant is predicted to result in the amino acid substitution p.Asn1059Ser. This variant was reported in the heterozygous state in an individual with early onset Parkinson disease (Table S4B, Zhao et al. 2020. PubMed ID: 32613234; Table S12.1, Chen et al. 2022. PubMed ID: 35861376), an individual with epilepsy (Table S10, El Naofal et al. 2023. PubMed ID: 36703223), and an individual with progressive external ophthalmoplegia (supplemental Table 2, Krenn et al. 2023. PubMed ID: 38127101). This variant is reported in 0.023% of alleles in individuals of South Asian descent in gnomAD. At this time, the clinical significance of this variant is uncertain due to the absence of conclusive functional and genetic evidence.

GeneDx
Classification: Uncertain significance. Last evaluated: 2025-06-06. Review status: criteria provided, single submitter. Criteria: GeneDx Variant Classification Process June 2021. Collection method: clinical testing. Allele origin: germline. Affected: yes.
Comment: In silico analysis supports that this missense variant has a deleterious effect on protein structure/function; This variant is associated with the following publications: (PMID: 36703223, 35861376, 32613234, 38127101, 22863191)

Labcorp Genetics (formerly Invitae), Labcorp
Classification: Uncertain significance for Progressive sclerosing poliodystrophy. Last evaluated: 2024-11-23. Review status: criteria provided, single submitter. Criteria: Invitae Variant Classification Sherloc (09022015). Collection method: clinical testing. Allele origin: germline.
Comment: This sequence change replaces asparagine, which is neutral and polar, with serine, which is neutral and polar, at codon 1059 of the POLG protein (p.Asn1059Ser). This variant is present in population databases (rs201192905, gnomAD 0.02%). This missense change has been observed in individual(s) with POLG-related conditions (PMID: 32613234, 35861376, 36703223). ClinVar contains an entry for this variant (Variation ID: 195487). Invitae Evidence Modeling of protein sequence and biophysical properties (such as structural, functional, and spatial information, amino acid conservation, physicochemical variation, residue mobility, and thermodynamic stability) indicates that this missense variant is expected to disrupt POLG protein function with a positive predictive value of 95%. In summary, the available evidence is currently insufficient to determine the role of this variant in disease. Therefore, it has been classified as a Variant of Uncertain Significance.

Blueprint Genetics
Classification: Uncertain significance. Last evaluated: 2024-09-17. Review status: criteria provided, single submitter. Criteria: ACMG Guidelines, 2015. Collection method: clinical testing. Allele origin: germline.

Women's Health and Genetics/Laboratory Corporation of America, LabCorp
Classification: Uncertain significance. Last evaluated: 2024-03-12. Review status: criteria provided, single submitter. Criteria: LabCorp Variant Classification Summary - May 2015. Collection method: clinical testing. Allele origin: germline.
Comment: Variant summary: POLG c.3176A>G (p.Asn1059Ser) results in a conservative amino acid change located in the DNA-directed DNA polymerase, family A, palm domain (IPR001098) of the encoded protein sequence. Four of five in-silico tools predict a damaging effect of the variant on protein function. The variant allele was found at a frequency of 8.8e-05 in 251116 control chromosomes. c.3176A>G has been reported in the literature in individuals affected with early-onset Parkinsons disease and Status Epilepticus, without strong evidence for causality (Chen_2022, Naofal_2023, Zhao_2020). These report(s) do not provide unequivocal conclusions about association of the variant with POLG-Related Spectrum Disorders. To our knowledge, no experimental evidence demonstrating an impact on protein function has been reported. The following publications have been ascertained in the context of this evaluation (PMID: 35861376, 36703223, 32613234). ClinVar contains an entry for this variant (Variation ID: 195487). Based on the evidence outlined above, the variant was classified as uncertain significance.

Dubai Health Genomic Medicine Center, Dubai Health
Classification: Uncertain significance. Last evaluated: 2022-12-17. Review status: criteria provided, single submitter. Criteria: ACMG Guidelines, 2015. Collection method: clinical testing. Allele origin: germline. Affected: yes.

Fulgent Genetics
Classification: Uncertain significance for Progressive external ophthalmoplegia with mitochondrial DNA deletions, autosomal dominant 1; Progressive sclerosing poliodystrophy; Progressive external ophthalmoplegia with mitochondrial DNA deletions, autosomal recessive 1; Mitochondrial DNA depletion syndrome 1; Sensory ataxic neuropathy, dysarthria, and ophthalmoparesis; Mitochondrial DNA depletion syndrome 4b. Last evaluated: 2018-10-31. Review status: criteria provided, single submitter. Criteria: ACMG Guidelines, 2015. Collection method: clinical testing. Allele origin: unknown.

Athena Diagnostics
Classification: Uncertain significance. Last evaluated: 2017-05-04. Review status: criteria provided, single submitter. Criteria: Athena Diagnostics Criteria. Collection method: clinical testing. Allele origin: germline.

Illumina Laboratory Services, Illumina
Classification: Uncertain significance for POLG-Related Spectrum Disorders. Last evaluated: 2017-04-27. Review status: criteria provided, single submitter. Criteria: ICSL Variant Classification Criteria 13 December 2019. Collection method: clinical testing. Allele origin: germline.

Eurofins Ntd Llc (ga)
Classification: Uncertain significance. Last evaluated: 2014-06-26. Review status: criteria provided, single submitter. Criteria: EGL Classification Definitions 2015. Collection method: clinical testing. Allele origin: germline. Observed: 1 variant allele, 1 heterozygote.

Clinical Genetics DNA and cytogenetics Diagnostics Lab, Erasmus MC, Erasmus Medical Center
Classification: Uncertain significance. Review status: no assertion criteria provided. Collection method: clinical testing. Allele origin: germline. Affected: yes. Study: VKGL Data-share Consensus. Not counted in ClinVar's aggregate classification.

Diagnostic Laboratory, Department of Genetics, University Medical Center Groningen
Classification: Uncertain significance. Review status: no assertion criteria provided. Collection method: clinical testing. Allele origin: germline. Affected: yes. Study: VKGL Data-share Consensus. Not counted in ClinVar's aggregate classification.

Literature cited by the submitters: PubMed 32613234 (cited by Labcorp Genetics (formerly Invitae), Labcorp and Women's Health and Genetics/Laboratory Corporation of America, LabCorp); PubMed 35861376 (cited by Labcorp Genetics (formerly Invitae), Labcorp and Women's Health and Genetics/Laboratory Corporation of America, LabCorp); PubMed 36703223 (cited by Labcorp Genetics (formerly Invitae), Labcorp and Women's Health and Genetics/Laboratory Corporation of America, LabCorp); PubMed 22863191 (cited by Athena Diagnostics).

NM_002693.3(POLG):c.3176A>G (p.Asn1059Ser)

Gene: POLG (DNA polymerase gamma, catalytic subunit; minus strand). Cytogenetic location: 15q26.1.
Variant type: single nucleotide variant.
Coding change: c.3176A>G on transcript NM_002693.3 (MANE Select); coding-DNA position 3176, A replaced by G.
Protein change: p.Asn1059Ser; replaces asparagine 1059 with serine.
Molecular consequence: missense variant.
Genome position (GRCh38, 1-based): chr15:89,319,028, T>C on the plus strand (A>G on the coding strand, the complement: POLG is on the minus strand). VCF-style: chr15-89319028-T-C. GRCh37 (hg19) VCF-style: chr15-89862259-T-C.
Other names: p.N1059S:AAT>AGT; c.3176A>G, p.Asn1059Ser (NM_001126131.2); short protein forms N1059S.
Identifiers: ClinVar variation 195487 (VCV000195487.30), dbSNP rs201192905, ClinGen allele CA241931.
Genomic context (GRCh38, chr15:89,319,028, plus strand): 5'-ATGCAGCAGCCCAGCACCGGGGTACGTGGTATGTCAGACGTAGCAATGCTCTCAAGCTTA[T>C]TGAACATTTCTGACTCTGTGCCCCCCTTCCATGCCCGTTCAGCAACCACCTCCCACTTCT-3'
Protein context (NP_002684.1, residues 1049-1069): WKGGTESEMF[Asn1059Ser]KLESIATSDI